The following is an entry in ClinVar:

ClinVar aggregate classification (germline): Uncertain significance (1 of 4 stars; one submission).

gnomAD v4.1: 1 of 1,454,092 alleles (0.000069%); highest among the groups gnomAD compares: Non-Finnish European, 0.000091%; no homozygotes.

Submission:

Dasa
Classification: Uncertain significance. Last evaluated: 2025-01-09. Review status: criteria provided, single submitter. Criteria: DASA Assertion Criteria. Collection method: clinical testing. Allele origin: germline.
Comment: NM_001385012.1(NBEA):c.67G>T (p.Gly23Trp) is a missense variant that results in the substitution of glycine with tryptophan. This variant is rare in population databases. Computational prediction algorithms are consistent with a benign effect. The currently available literature and clinical evidence are not sufficient to establish a definitive association between this variant and the reported condition. Therefore, this variant is classified as a variant of uncertain significance.

NM_001385012.1(NBEA):c.67G>T (p.Gly23Trp)

Gene: NBEA (neurobeachin; plus strand). Cytogenetic location: 13q13.3.
Variant type: single nucleotide variant.
Coding change: c.67G>T on transcript NM_001385012.1 (MANE Select); coding-DNA position 67, G replaced by T.
Protein change: p.Gly23Trp; replaces glycine 23 with tryptophan.
Molecular consequence: missense variant.
Genome position (GRCh38, 1-based): chr13:34,942,887, G>T. VCF-style: chr13-34942887-G-T. GRCh37 (hg19) VCF-style: chr13-35517024-G-T.
Other names: c.67G>T, p.Gly23Trp (NM_001379245.1, NM_015678.5); short protein forms G23W.
Identifiers: ClinVar variation 4882898 (VCV004882898.2).